The following is an entry in ClinVar:

NM_001126121.2(SLC25A19):c.346C>T (p.Arg116Trp)

Gene: SLC25A19 (solute carrier family 25 member 19; minus strand). Cytogenetic location: 17q25.1.
Variant type: single nucleotide variant.
Coding change: c.346C>T on transcript NM_001126121.2 (MANE Select); coding-DNA position 346, C replaced by T.
Protein change: p.Arg116Trp; replaces arginine 116 with tryptophan.
Molecular consequence: missense variant.
Genome position (GRCh38, 1-based): chr17:75,283,536, G>A on the plus strand (C>T on the coding strand, the complement: SLC25A19 is on the minus strand). VCF-style: chr17-75283536-G-A. GRCh37 (hg19) VCF-style: chr17-73279617-G-A.
Other names: c.346C>T, p.Arg116Trp (NM_001126122.2, NM_021734.5); short protein forms R116W.
Identifiers: ClinVar variation 1163710 (VCV001163710.10), dbSNP rs368336055, ClinGen allele CA8761026.

ClinVar aggregate classification (germline): Uncertain significance. Review status: criteria provided, multiple submitters, no conflicts (2 of 4 stars). 3 submissions from 3 submitters: Uncertain significance (3). Last evaluated 2024-10-07.

Conditions:
Inborn genetic diseases. Identifiers: MedGen C0950123, MeSH D030342.

Allele frequency attached by ClinVar (database versions not stated): ExAC 0.00003; gnomAD exomes 0.00003 and 0.00008; ESP Exome Variant Server 0.00008; TOPMed 0.00008; gnomAD 0.00009 and 0.00010.
gnomAD v4.1: 139 of 1,613,580 alleles (0.0086%); highest among the groups gnomAD compares: African/African-American, 0.011%; no homozygotes.

Submissions (3):

Labcorp Genetics (formerly Invitae), Labcorp
Classification: Uncertain significance. Last evaluated: 2024-10-07. Review status: criteria provided, single submitter. Criteria: Invitae Variant Classification Sherloc (09022015). Collection method: clinical testing. Allele origin: germline.
Comment: This sequence change replaces arginine, which is basic and polar, with tryptophan, which is neutral and slightly polar, at codon 116 of the SLC25A19 protein (p.Arg116Trp). This variant is present in population databases (rs368336055, gnomAD 0.005%). This variant has not been reported in the literature in individuals affected with SLC25A19-related conditions. ClinVar contains an entry for this variant (Variation ID: 1163710). Invitae Evidence Modeling of protein sequence and biophysical properties (such as structural, functional, and spatial information, amino acid conservation, physicochemical variation, residue mobility, and thermodynamic stability) indicates that this missense variant is not expected to disrupt SLC25A19 protein function with a negative predictive value of 80%. In summary, the available evidence is currently insufficient to determine the role of this variant in disease. Therefore, it has been classified as a Variant of Uncertain Significance.

Ambry Genetics
Classification: Uncertain significance for Inborn genetic diseases. Last evaluated: 2024-09-10. Review status: criteria provided, single submitter. Criteria: Ambry Variant Classification Scheme 2023. Collection method: clinical testing. Allele origin: germline.

Mayo Clinic Laboratories, Mayo Clinic
Classification: Uncertain significance. Last evaluated: 2020-05-14. Review status: criteria provided, single submitter. Criteria: ACMG Guidelines, 2015. Collection method: clinical testing. Allele origin: germline. Observed: 1 variant allele.